The following is an entry in ClinVar:

NM_139027.6(ADAMTS13):c.910dup (p.Tyr304fs)

Gene: ADAMTS13 (ADAM metallopeptidase with thrombospondin type 1 motif 13; plus strand). Cytogenetic location: 9q34.2.
Variant type: Duplication.
Coding change: c.910dup on transcript NM_139027.6 (MANE Select); coding-DNA position 910, one base duplicated (T; older notation c.910dupT).
Protein change: p.Tyr304fs; shifts the reading frame from tyrosine 304.
Molecular consequence: frameshift variant. On other transcripts: intron variant (1).
Genome position (GRCh38, 1-based): chr9:133,430,024, T duplicated. VCF-style (leftmost placement, unchanged base first): chr9-133430023-C-CT. GRCh37 (hg19) VCF-style: chr9-136295143-C-CT.
Other names: c.910dup, p.Tyr304fs (NM_139025.5); c.825-8dup (NM_139026.6); short protein forms Y304fs.
Identifiers: ClinVar variation 2804026 (VCV002804026.3), dbSNP rs2491125768, ClinGen allele CA2739265186.

ClinVar aggregate classification (germline): Pathogenic (1 of 4 stars; one submission).

Submission:

Labcorp Genetics (formerly Invitae), Labcorp
Classification: Pathogenic. Last evaluated: 2023-01-04. Review status: criteria provided, single submitter. Criteria: Invitae Variant Classification Sherloc (09022015). Collection method: clinical testing. Allele origin: germline.
Comment: This variant has not been reported in the literature in individuals affected with ADAMTS13-related conditions. For these reasons, this variant has been classified as Pathogenic. This variant is not present in population databases (gnomAD no frequency). This sequence change creates a premature translational stop signal (p.Tyr304Leufs*86) in the ADAMTS13 gene. It is expected to result in an absent or disrupted protein product. Loss-of-function variants in ADAMTS13 are known to be pathogenic (PMID: 11586351, 12753286, 21781265).

Literature cited by the submitters: PubMed 11586351; PubMed 12753286; PubMed 21781265.